The following is an entry in ClinVar:

ClinVar aggregate classification (germline): Uncertain significance. Review status: criteria provided, single submitter (1 of 4 stars). 2 submissions from 2 submitters: Uncertain significance (1). 1 of the submissions does not count toward it. Last evaluated 2024-01-25.

Conditions:
VWF-related disorder. Also called: VWF-related disorders; VWF-related condition.

Allele frequency attached by ClinVar (database versions not stated): gnomAD exomes 0.00005; TOPMed 0.00006; ExAC 0.00007; gnomAD 0.00007 and 0.00008; ESP Exome Variant Server 0.00015.
gnomAD v4.1: 80 of 1,614,046 alleles (0.005%); highest among the groups gnomAD compares: African/African-American, 0.0093%; no homozygotes.

Submissions (2):

Mayo Clinic Laboratories, Mayo Clinic
Classification: Uncertain significance. Last evaluated: 2024-01-25. Review status: criteria provided, single submitter. Criteria: ACMG Guidelines, 2015. Collection method: clinical testing. Allele origin: germline. Observed: 1 variant allele.
Comment: BP4, PM1_supporting

PreventionGenetics, part of Exact Sciences
Classification: Uncertain significance for VWF-related condition. Last evaluated: 2023-11-11. Review status: no assertion criteria provided. Collection method: clinical testing. Allele origin: germline. Not counted in ClinVar's aggregate classification.
Comment: The VWF c.6353G>A variant is predicted to result in the amino acid substitution p.Arg2118Gln. This variant has been reported in an individual with hypercholesterolemia and heart disease (Kuang et al. 2018. PubMed ID: 30335000). This variant is reported in 0.020% of alleles in individuals of European (Finnish) descent in gnomAD. At this time, the clinical significance of this variant is uncertain due to the absence of conclusive functional and genetic evidence.

NM_000552.5(VWF):c.6353G>A (p.Arg2118Gln)

Gene: VWF (von Willebrand factor; minus strand). Cytogenetic location: 12p13.31.
Variant type: single nucleotide variant.
Coding change: c.6353G>A on transcript NM_000552.5 (MANE Select); coding-DNA position 6353, G replaced by A.
Protein change: p.Arg2118Gln; replaces arginine 2118 with glutamine.
Molecular consequence: missense variant.
Genome position (GRCh38, 1-based): chr12:5,994,107, C>T on the plus strand (G>A on the coding strand, the complement: VWF is on the minus strand). VCF-style: chr12-5994107-C-T. GRCh37 (hg19) VCF-style: chr12-6103273-C-T.
Other names: p.Arg2118Gln; c.6353G>A (NM_000552.4); short protein forms R2118Q.
Identifiers: ClinVar variation 3042514 (VCV003042514.3), dbSNP rs375779188, ClinGen allele CA6402005.